The following is an entry in ClinVar:

NM_002800.5(PSMB9):c.178C>T (p.Arg60Cys)

Gene: PSMB9 (proteasome 20S subunit beta 9; plus strand). Cytogenetic location: 6p21.32.
Variant type: single nucleotide variant.
Coding change: c.178C>T on transcript NM_002800.5 (MANE Select); coding-DNA position 178, C replaced by T.
Protein change: p.Arg60Cys; replaces arginine 60 with cysteine.
Molecular consequence: missense variant.
Genome position (GRCh38, 1-based): chr6:32,857,312, C>T. VCF-style: chr6-32857312-C-T. GRCh37 (hg19) VCF-style: chr6-32825089-C-T.
Other names: p.Arg60Cys; short protein forms R60C.
Identifiers: ClinVar variation 4541154 (VCV004541154.1).

ClinVar aggregate classification (germline): Uncertain significance (1 of 4 stars; one submission).

Submission:

Mayo Clinic Laboratories, Mayo Clinic
Classification: Uncertain significance. Last evaluated: 2025-07-23. Review status: criteria provided, single submitter. Criteria: ACMG Guidelines, 2015. Collection method: clinical testing. Allele origin: germline. Observed: 1 variant allele.
Comment: BP4_moderate